The following is an entry in ClinVar:

ClinVar aggregate classification (germline): Uncertain significance (1 of 4 stars; one submission).

Conditions:
Joubert syndrome 21 (JBTS21). Identifiers: MedGen C3810212, MONDO:0014288, OMIM 615636.

Allele frequency attached by ClinVar (database versions not stated): gnomAD exomes below 0.00001; TOPMed below 0.00001; gnomAD 0.00001.
gnomAD v4.1: 4 of 1,611,674 alleles (0.00025%); highest among the groups gnomAD compares: South Asian, 0.0011%; no homozygotes.

Submission:

Labcorp Genetics (formerly Invitae), Labcorp
Classification: Uncertain significance for Joubert syndrome 21. Last evaluated: 2021-08-25. Review status: criteria provided, single submitter. Criteria: Invitae Variant Classification Sherloc (09022015). Collection method: clinical testing. Allele origin: germline.
Comment: In summary, the available evidence is currently insufficient to determine the role of this variant in disease. Therefore, it has been classified as a Variant of Uncertain Significance. This sequence change falls in intron 14 of the CSPP1 gene. It does not directly change the encoded amino acid sequence of the CSPP1 protein. It affects a nucleotide within the consensus splice site of the intron. This variant is not present in population databases (ExAC no frequency). This variant has not been reported in the literature in individuals affected with CSPP1-related conditions. Variants that disrupt the consensus splice site are a relatively common cause of aberrant splicing (PMID: 17576681, 9536098). Algorithms developed to predict the effect of sequence changes on RNA splicing suggest that this variant may disrupt the consensus splice site.

Literature cited by the submitters: PubMed 17576681; PubMed 9536098.

NM_001382391.1(CSPP1):c.1827+3A>G

Gene: CSPP1 (centrosome and spindle pole associated protein 1; plus strand). Cytogenetic location: 8q13.2.
Variant type: single nucleotide variant.
Coding change: c.1827+3A>G on transcript NM_001382391.1 (MANE Select); 3 bases into the intron after coding-DNA position 1827, A replaced by G.
Molecular consequence: intron variant.
Genome position (GRCh38, 1-based): chr8:67,132,083, A>G. VCF-style: chr8-67132083-A-G. GRCh37 (hg19) VCF-style: chr8-68044318-A-G.
Other names: c.1785+3A>G (NM_001363132.2); c.1746+3A>G (NM_001363131.2); c.1704+3A>G (NM_001363133.2); c.1893+3A>G (NM_001364869.1); c.1812+3A>G (NM_024790.7, NM_001438331.1, NM_001438330.1); c.1713+3A>G (NM_001364870.1); c.1281+3A>G (NM_001438332.1); c.930+3A>G (NM_001291339.2).
Identifiers: ClinVar variation 1521049 (VCV001521049.6), dbSNP rs1449112719, ClinGen allele CA582515568.